The following is an entry in ClinVar:

ClinVar aggregate classification (germline): Uncertain significance (1 of 4 stars; one submission).

Conditions:
Neurodevelopmental disorder. Identifiers: MedGen C1535926, MeSH D065886, MONDO:0700092.

Allele frequency attached by ClinVar (database versions not stated): gnomAD exomes below 0.00001.

Submission:

Victorian Clinical Genetics Services, Murdoch Childrens Research Institute
Classification: Uncertain significance for Neurodevelopmental disorder. Last evaluated: 2022-06-24. Review status: criteria provided, single submitter. Criteria: ACMG Guidelines, 2015. Collection method: clinical testing. Allele origin: germline. Inheritance: Autosomal dominant inheritance. Affected: yes.
Comment: Based on the classification scheme VCGS_Germline_v1.3.4, this variant is classified as VUS-3A. Following criteria are met: 0105 - The mechanism of disease for this gene is not clearly established. However, loss of function is unlikely to be associated with neurodevelopmental disorder, GIGYF1-related (MONDO#0700092; PMID: 33057194; PMID: 34732801; PMID: 34234147). (I) 0107 - This gene is associated with autosomal dominant disease (PMID: 33057194). (I) 0200 - Variant is predicted to result in a missense amino acid change from proline to leucine. (I) 0251 - This variant is heterozygous. (I) 0301 - Variant is absent from gnomAD (both v2 and v3). (SP) 0502 - Missense variant with conflicting in silico predictions and uninformative conservation. (I) 0604 - Variant is not located in an established domain, motif, hotspot or informative constraint region. (I) 0705 - No comparable missense variants have previous evidence for pathogenicity. (I) 0807 - This variant has no previous evidence of pathogenicity. (I) 0905 - No published segregation evidence has been identified for this variant. (I) 1007 - No published functional evidence has been identified for this variant. (SP) Legend: (SP) - Supporting pathogenic, (I) - Information, (SB) - Supporting benign

Literature cited by the submitters: PubMed 33057194; PubMed 34234147; PubMed 34732801.

NM_001375765.1(GIGYF1):c.2801C>T (p.Pro934Leu)

Gene: GIGYF1 (GRB10 interacting GYF protein 1; minus strand). Cytogenetic location: 7q22.1.
Variant type: single nucleotide variant.
Coding change: c.2801C>T on transcript NM_001375765.1 (MANE Select); coding-DNA position 2801, C replaced by T.
Protein change: p.Pro934Leu; replaces proline 934 with leucine.
Molecular consequence: missense variant. On other transcripts: non-coding transcript variant (1).
Genome position (GRCh38, 1-based): chr7:100,682,196, G>A on the plus strand (C>T on the coding strand, the complement: GIGYF1 is on the minus strand). VCF-style: chr7-100682196-G-A. GRCh37 (hg19) VCF-style: chr7-100279819-G-A.
Other names: NM_022574.5:c.2801C>T; c.2801C>T, p.Pro934Leu (NM_001375759.1, NM_001375760.1, NM_001375761.1 and 5 more transcripts); c.2798C>T, p.Pro933Leu (NM_001375768.1); short protein forms P933L, P934L.
Identifiers: ClinVar variation 1699462 (VCV001699462.3), dbSNP rs2131367497, ClinGen allele CA368526678.